The following is an entry in ClinVar:

NM_000051.4(ATM):c.6808-3C>T

Genes: ATM (ATM serine/threonine kinase; plus strand), C11orf65 (chromosome 11 open reading frame 65; minus strand). Cytogenetic location: 11q22.3.
Variant type: single nucleotide variant.
Coding change: c.6808-3C>T on transcript NM_000051.4 (MANE Select); 3 bases into the intron before coding-DNA position 6808, C replaced by T.
Molecular consequence: intron variant.
Genome position (GRCh38, 1-based): chr11:108,326,055, C>T. VCF-style: chr11-108326055-C-T. GRCh37 (hg19) VCF-style: chr11-108196782-C-T.
Other names: c.6808-3C>T (NM_001351834.2); c.641-16984G>A (NM_001330368.2); c.*38+9165G>A (NM_001351110.2).
Identifiers: ClinVar variation 4843913 (VCV004843913.1).

ClinVar aggregate classification (germline): Uncertain significance (1 of 4 stars; one submission).

Conditions:
Hereditary cancer-predisposing syndrome. Also called: Tumor predisposition; Hereditary neoplastic syndrome; Hereditary Cancer Syndrome; Neoplastic Syndromes, Hereditary. Identifiers: Orphanet 140162, MedGen C0027672, MeSH D009386, MONDO:0015356.

Submission:

Ambry Genetics
Classification: Uncertain significance for Hereditary cancer-predisposing syndrome. Last evaluated: 2026-01-06. Review status: criteria provided, single submitter. Criteria: Ambry Variant Classification Scheme 2023. Collection method: clinical testing. Allele origin: germline.
Comment: The c.6808-3C>T intronic variant results from a C to T substitution 3 nucleotides upstream from coding exon 46 in the ATM gene. This nucleotide position is well conserved in available vertebrate species. In silico splice site analysis for this alteration is inconclusive. Based on the available evidence, the clinical significance of this variant remains unclear.